The following is an entry in ClinVar:

NM_004304.5(ALK):c.4810del (p.Tyr1604fs)

Gene: ALK (ALK receptor tyrosine kinase; minus strand). Cytogenetic location: 2p23.2.
Variant type: Deletion.
Coding change: c.4810del on transcript NM_004304.5 (MANE Select); coding-DNA position 4810, one base deleted (T; older notation c.4810delT).
Protein change: p.Tyr1604fs; shifts the reading frame from tyrosine 1604.
Molecular consequence: frameshift variant.
Genome position (GRCh38, 1-based): chr2:29,193,277, A deleted on the plus strand (T on the coding strand, the reverse complement: ALK is on the minus strand); the first of 2 consecutive A bases (chr2:29,193,277-29,193,278); deleting either gives the same sequence. VCF-style (leftmost placement, unchanged base first): chr2-29193276-TA-T. GRCh37 (hg19) VCF-style: chr2-29416142-TA-T.
Other names: c.1606del, p.Tyr536fs (NM_001353765.2); short protein forms Y1604fs, Y536fs.
Identifiers: ClinVar variation 4273277 (VCV004273277.2).

ClinVar aggregate classification (germline): Uncertain significance. Review status: criteria provided, multiple submitters, no conflicts (2 of 4 stars). 2 submissions from 2 submitters: Uncertain significance (2). Last evaluated 2025-09-12.

Conditions:
Neuroblastoma, susceptibility to, 3. Also called: ALK-Related Neuroblastic Tumor Susceptibility. Identifiers: Orphanet 635, MedGen C2751681, MONDO:0013083, OMIM 613014.
Hereditary cancer-predisposing syndrome. Also called: Neoplastic Syndromes, Hereditary; Tumor predisposition; Hereditary Cancer Syndrome; Hereditary neoplastic syndrome. Identifiers: Orphanet 140162, MedGen C0027672, MeSH D009386, MONDO:0015356.

Submissions (2):

Ambry Genetics
Classification: Uncertain significance for Hereditary cancer-predisposing syndrome. Last evaluated: 2025-09-12. Review status: criteria provided, single submitter. Criteria: Ambry Variant Classification Scheme 2023. Collection method: clinical testing. Allele origin: germline.
Comment: The c.4810delT variant, located in coding exon 29 of the ALK gene, results from a deletion of one nucleotide at nucleotide position 4810, causing a translational frameshift with a predicted alternate stop codon (p.Y1604Tfs*6). This alteration occurs at the 3' terminus of the gene and is not expected to trigger nonsense-mediated mRNA decay. Additionally, loss of function has not been established as a mechanism of disease. Based on the available evidence, the clinical significance of this variant remains unclear.

Labcorp Genetics (formerly Invitae), Labcorp
Classification: Uncertain significance for Neuroblastoma, susceptibility to, 3. Last evaluated: 2025-05-12. Review status: criteria provided, single submitter. Criteria: Invitae Variant Classification Sherloc (09022015). Collection method: clinical testing. Allele origin: germline.
Comment: This sequence change creates a premature translational stop signal (p.Tyr1604Thrfs*6) in the ALK gene. While this is not anticipated to result in nonsense mediated decay, it is expected to disrupt the last 17 amino acid(s) of the ALK protein. This variant is not present in population databases (gnomAD no frequency). This variant has not been reported in the literature in individuals affected with ALK-related conditions. Experimental studies and prediction algorithms are not available or were not evaluated, and the functional significance of this variant is currently unknown. In summary, the available evidence is currently insufficient to determine the role of this variant in disease. Therefore, it has been classified as a Variant of Uncertain Significance.